The following is an entry in ClinVar:

ClinVar aggregate classification (germline): Uncertain significance (1 of 4 stars; one submission).

Conditions:
EP300-related disorder. Also called: EP300-related condition; EP300-related disorders.

Submission:

PreventionGenetics, part of Exact Sciences
Classification: Uncertain significance for EP300-related condition. Last evaluated: 2025-10-22. Review status: criteria provided, single submitter. Criteria: ACMG Guidelines, 2015. Collection method: clinical testing. Allele origin: germline.
Comment: The EP300 c.1312G>A variant is predicted to result in the amino acid substitution p.Gly438Arg. To our knowledge, this variant has not been reported in the literature or in a large population database (gnomAD), indicating this variant is rare. At this time, the clinical significance of this variant is uncertain due to the absence of conclusive functional and genetic evidence.

NM_001429.4(EP300):c.1312G>A (p.Gly438Arg)

Gene: EP300 (EP300 lysine acetyltransferase; plus strand). Cytogenetic location: 22q13.2.
Variant type: single nucleotide variant.
Coding change: c.1312G>A on transcript NM_001429.4 (MANE Select); coding-DNA position 1312, G replaced by A.
Protein change: p.Gly438Arg; replaces glycine 438 with arginine.
Molecular consequence: missense variant.
Genome position (GRCh38, 1-based): chr22:41,131,417, G>A. VCF-style: chr22-41131417-G-A. GRCh37 (hg19) VCF-style: chr22-41527421-G-A.
Other names: c.1312G>A, p.Gly438Arg (NM_001362843.2); short protein forms G438R.
Identifiers: ClinVar variation 4993989 (VCV004993989.1).